The following is an entry in ClinVar:

NM_005120.3(MED12):c.3516C>A (p.Thr1172=)

Gene: MED12 (mediator complex subunit 12; plus strand). Cytogenetic location: Xq13.1.
Variant type: single nucleotide variant.
Coding change: c.3516C>A on transcript NM_005120.3 (MANE Select); coding-DNA position 3516, C replaced by A.
Protein change: p.Thr1172=; no amino-acid change (threonine 1172 retained).
Molecular consequence: synonymous variant.
Genome position (GRCh38, 1-based): chrX:71,129,154, C>A. VCF-style: chrX-71129154-C-A. GRCh37 (hg19) VCF-style: chrX-70349004-C-A.
Identifiers: ClinVar variation 514288 (VCV000514288.4), dbSNP rs1057521581, ClinGen allele CA516721199.

ClinVar aggregate classification (germline): Likely benign. Review status: criteria provided, multiple submitters, no conflicts (2 of 4 stars). 2 submissions from 2 submitters: Likely benign (2). Last evaluated 2025-08-26.

Conditions:
FG syndrome (FGS). Identifiers: MedGen C0220769, MONDO:0002010.

Allele frequency attached by ClinVar (database versions not stated): TOPMed 0.00002.
gnomAD v4.1: 2 of 1,209,192 alleles (0.00017%); highest among the groups gnomAD compares: African/African-American, 0.0035%; no homozygotes.

Submissions (2):

Labcorp Genetics (formerly Invitae), Labcorp
Classification: Likely benign for FG syndrome. Last evaluated: 2025-08-26. Review status: criteria provided, single submitter. Criteria: Invitae Variant Classification Sherloc (09022015). Collection method: clinical testing. Allele origin: germline.

GeneDx
Classification: Likely benign. Last evaluated: 2017-12-27. Review status: criteria provided, single submitter. Criteria: GeneDx Variant Classification (06012015). Collection method: clinical testing. Allele origin: germline. Affected: yes.
Comment: This variant is considered likely benign or benign based on one or more of the following criteria: it is a conservative change, it occurs at a poorly conserved position in the protein, it is predicted to be benign by multiple in silico algorithms, and/or has population frequency not consistent with disease.